The following is an entry in ClinVar:

ClinVar aggregate classification (germline): Pathogenic (1 of 4 stars; one submission).

Conditions:
Hereditary cancer-predisposing syndrome. Also called: Neoplastic Syndromes, Hereditary; Tumor predisposition; Hereditary neoplastic syndrome; Hereditary Cancer Syndrome. Identifiers: Orphanet 140162, MedGen C0027672, MeSH D009386, MONDO:0015356.

Submission:

Ambry Genetics
Classification: Pathogenic for Hereditary cancer-predisposing syndrome. Last evaluated: 2026-07-30. Review status: criteria provided, single submitter. Criteria: Ambry Variant Classification Scheme 2023. Collection method: clinical testing. Allele origin: germline.
Comment: The c.2900_2922del23ins10 pathogenic mutation, located in coding exon 4 of the MSH6 gene, results from the deletion of 23 nucleotides and insertion of 10 nucleotides causing a translational frameshift with a predicted alternate stop codon (p.I967Sfs*26). This variant is considered to be rare based on population cohorts in the Genome Aggregation Database (gnomAD). This alteration is expected to result in loss of function by premature protein truncation or nonsense-mediated mRNA decay. As such, this alteration is interpreted as a disease-causing mutation.

NM_000179.3(MSH6):c.2900_2922delinsGCCAATTACC (p.Ile967fs)

Gene: MSH6 (mutS homolog 6; plus strand). Cytogenetic location: 2p16.3.
Variant type: Indel.
Coding change: c.2900_2922delinsGCCAATTACC on transcript NM_000179.3 (MANE Select); coding-DNA positions 2900 to 2922, TAGTCTATTGGGGGATTGGTAGG replaced by GCCAATTACC.
Protein change: p.Ile967fs; shifts the reading frame from isoleucine 967.
Molecular consequence: frameshift variant. On other transcripts: non-coding transcript variant (5), intron variant (2).
Genome position (GRCh38, 1-based): chr2:47,800,883-47,800,905, TAGTCTATTGGGGGATTGGTAGG replaced by GCCAATTACC. GRCh37 (hg19): chr2:48,028,022-48,028,044.
Other names: c.2510_2532delinsGCCAATTACC, p.Ile837fs (NM_001281492.2); c.1994_2016delinsGCCAATTACC, p.Ile665fs (NM_001281493.2, NM_001281494.2, NM_001406811.1 and 6 more transcripts); c.2996_3018delinsGCCAATTACC, p.Ile999fs (NM_001406795.1, NM_001406802.1); c.2900_2922delinsGCCAATTACC, p.Ile967fs (NM_001406796.1, NM_001406798.1, NM_001406800.1 and 2 more transcripts); c.2603_2625delinsGCCAATTACC, p.Ile868fs (NM_001406797.1, NM_001406801.1, NM_001406805.1 and 10 more transcripts); c.2375_2397delinsGCCAATTACC, p.Ile792fs (NM_001406799.1, NM_001406806.1, NM_001406807.1); c.2822_2844delinsGCCAATTACC, p.Ile941fs (NM_001406804.1); c.2906_2928delinsGCCAATTACC, p.Ile969fs (NM_001406813.1); and 4 more; short protein forms I282fs, I999fs, I665fs, I837fs, I868fs, I941fs, I967fs, I792fs.
Identifiers: ClinVar variation 5024920 (VCV005024920.1).
Genomic context (GRCh38, chr2:47,800,883, plus strand): 5'-ATGAACAGAGCCTCCTGGAATACCTAGAGAAACAGCGCAACAGAATTGGCTGTAGGACCA[TAGTCTATTGGGGGATTGGTAGG>GCCAATTACC]AACCGTTACCAGCTGGAAATTCCTGAGAATTTCACCACTCGCAATTTGCCAGAAGAATAC-3'